The following is an entry in ClinVar:

ClinVar aggregate classification (germline): Uncertain significance (1 of 4 stars; one submission).

Conditions:
Familial hemiplegic migraine. Identifiers: MedGen C0338484, MONDO:0000700.

Submission:

Labcorp Genetics (formerly Invitae), Labcorp
Classification: Uncertain significance for Familial hemiplegic migraine. Last evaluated: 2023-03-17. Review status: criteria provided, single submitter. Criteria: Invitae Variant Classification Sherloc (09022015). Collection method: clinical testing. Allele origin: germline.
Comment: In summary, the available evidence is currently insufficient to determine the role of this variant in disease. Therefore, it has been classified as a Variant of Uncertain Significance. Variants that disrupt the consensus splice site are a relatively common cause of aberrant splicing (PMID: 17576681, 9536098). Algorithms developed to predict the effect of sequence changes on RNA splicing suggest that this variant may disrupt the consensus splice site. This variant has not been reported in the literature in individuals affected with ATP1A2-related conditions. This variant is not present in population databases (gnomAD no frequency). This sequence change affects codon 442 of the ATP1A2 mRNA. It is a 'silent' change, meaning that it does not change the encoded amino acid sequence of the ATP1A2 protein. This variant also falls at the last nucleotide of exon 10, which is part of the consensus splice site for this exon.

Literature cited by the submitters: PubMed 17576681; PubMed 9536098.

NM_000702.4(ATP1A2):c.1326G>A (p.Lys442=)

Gene: ATP1A2 (ATPase Na+/K+ transporting subunit alpha 2; plus strand). Cytogenetic location: 1q23.2.
Variant type: single nucleotide variant.
Coding change: c.1326G>A on transcript NM_000702.4 (MANE Select); coding-DNA position 1326, G replaced by A.
Protein change: p.Lys442=; no amino-acid change (lysine 442 retained).
Molecular consequence: synonymous variant.
Genome position (GRCh38, 1-based): chr1:160,129,089, G>A. VCF-style: chr1-160129089-G-A. GRCh37 (hg19) VCF-style: chr1-160098879-G-A.
Identifiers: ClinVar variation 2846713 (VCV002846713.3), dbSNP rs2524869148, ClinGen allele CA421350776.